The following is an entry in ClinVar:

ClinVar aggregate classification (germline): Uncertain significance. Review status: criteria provided, multiple submitters, no conflicts (2 of 4 stars). 4 submissions from 4 submitters: Uncertain significance (4). Last evaluated 2025-08-17.

Conditions:
Patterned macular dystrophy 2. Identifiers: Orphanet 99001, MedGen C1837029, MONDO:0012162, OMIM 608970.
Hereditary cancer-predisposing syndrome. Also called: Neoplastic Syndromes, Hereditary; Tumor predisposition; Hereditary Cancer Syndrome; Hereditary neoplastic syndrome. Identifiers: Orphanet 140162, MedGen C0027672, MeSH D009386, MONDO:0015356.

Allele frequency attached by ClinVar (database versions not stated): TOPMed below 0.00001.

Submissions (4):

Mayo Clinic Laboratories, Mayo Clinic
Classification: Uncertain significance. Last evaluated: 2025-08-17. Review status: criteria provided, single submitter. Criteria: ACMG Guidelines, 2015. Collection method: clinical testing. Allele origin: germline. Observed: 1 variant allele.
Comment: BP4

Ambry Genetics
Classification: Uncertain significance for Hereditary cancer-predisposing syndrome. Last evaluated: 2024-11-11. Review status: criteria provided, single submitter. Criteria: Ambry Variant Classification Scheme 2023. Collection method: clinical testing. Allele origin: germline.
Comment: The p.Q288H variant (also known as c.864A>C), located in coding exon 6 of the CTNNA1 gene, results from an A to C substitution at nucleotide position 864. The glutamine at codon 288 is replaced by histidine, an amino acid with highly similar properties. This amino acid position is conserved. In addition, this alteration is predicted to be tolerated by in silico analysis. The evidence for this gene-disease relationship is limited; therefore, the clinical significance of this alteration is unclear.

Labcorp Genetics (formerly Invitae), Labcorp
Classification: Uncertain significance. Last evaluated: 2024-04-10. Review status: criteria provided, single submitter. Criteria: Invitae Variant Classification Sherloc (09022015). Collection method: clinical testing. Allele origin: germline.
Comment: This sequence change replaces glutamine, which is neutral and polar, with histidine, which is basic and polar, at codon 288 of the CTNNA1 protein (p.Gln288His). This variant is not present in population databases (gnomAD no frequency). This variant has not been reported in the literature in individuals affected with CTNNA1-related conditions. ClinVar contains an entry for this variant (Variation ID: 1764150). Advanced modeling of protein sequence and biophysical properties (such as structural, functional, and spatial information, amino acid conservation, physicochemical variation, residue mobility, and thermodynamic stability) performed at Invitae indicates that this missense variant is not expected to disrupt CTNNA1 protein function with a negative predictive value of 80%. In summary, the available evidence is currently insufficient to determine the role of this variant in disease. Therefore, it has been classified as a Variant of Uncertain Significance.

Baylor Genetics
Classification: Uncertain significance for Patterned macular dystrophy 2. Last evaluated: 2024-02-07. Review status: criteria provided, single submitter. Criteria: ACMG Guidelines, 2015. Collection method: clinical testing. Allele origin: unknown.

NM_001903.5(CTNNA1):c.864A>C (p.Gln288His)

Gene: CTNNA1 (catenin alpha 1; plus strand). Cytogenetic location: 5q31.2.
Variant type: single nucleotide variant.
Coding change: c.864A>C on transcript NM_001903.5 (MANE Select); coding-DNA position 864, A replaced by C.
Protein change: p.Gln288His; replaces glutamine 288 with histidine.
Molecular consequence: missense variant.
Genome position (GRCh38, 1-based): chr5:138,827,520, A>C. VCF-style: chr5-138827520-A-C. GRCh37 (hg19) VCF-style: chr5-138163209-A-C.
Other names: p.Gln288His; c.864A>C, p.Gln288His (NM_001290307.3, NM_001323982.2, NM_001323983.1 and 3 more transcripts); c.555A>C, p.Gln185His (NM_001290309.3); c.495A>C, p.Gln165His (NM_001290310.3); short protein forms Q165H, Q185H, Q288H.
Identifiers: ClinVar variation 1764150 (VCV001764150.10), dbSNP rs1226995974, ClinGen allele CA361130630.